The following is an entry in ClinVar:

ClinVar aggregate classification (germline): Uncertain significance. Review status: criteria provided, multiple submitters, no conflicts (2 of 4 stars). 2 submissions from 2 submitters: Uncertain significance (2). Last evaluated 2019-10-21.

Conditions:
Hajdu-Cheney syndrome (HJCYS). Also called: SERPENTINE FIBULA-POLYCYSTIC KIDNEY SYNDROME; ACROOSTEOLYSIS WITH OSTEOPOROSIS AND CHANGES IN SKULL AND MANDIBLE; Acroosteolysis dominant type. Identifiers: Orphanet 955, MedGen C0917715, MONDO:0007057, OMIM 102500.

Allele frequency attached by ClinVar (database versions not stated): TOPMed below 0.00001.
gnomAD v4.1: 3 of 1,613,778 alleles (0.00019%); highest among the groups gnomAD compares: Non-Finnish European, 0.00025%; no homozygotes.

Submissions (2):

Labcorp Genetics (formerly Invitae), Labcorp
Classification: Uncertain significance for Hajdu-Cheney syndrome. Last evaluated: 2019-10-21. Review status: criteria provided, single submitter. Criteria: Invitae Variant Classification Sherloc (09022015). Collection method: clinical testing. Allele origin: germline.
Comment: This sequence change replaces histidine with tyrosine at codon 2229 of the NOTCH2 protein (p.His2229Tyr). The histidine residue is highly conserved and there is a moderate physicochemical difference between histidine and tyrosine. This variant is not present in population databases (ExAC no frequency). This variant has not been reported in the literature in individuals with NOTCH2-related conditions. ClinVar contains an entry for this variant (Variation ID: 585705). Algorithms developed to predict the effect of missense changes on protein structure and function are either unavailable or do not agree on the potential impact of this missense change (SIFT: "Deleterious"; PolyPhen-2: "Benign"; Align-GVGD: "Class C65"). In summary, the available evidence is currently insufficient to determine the role of this variant in disease. Therefore, it has been classified as a Variant of Uncertain Significance.

Eurofins Ntd Llc (ga)
Classification: Uncertain significance. Last evaluated: 2017-10-19. Review status: criteria provided, single submitter. Criteria: EGL Classification Definitions 2015. Collection method: clinical testing. Allele origin: germline. Observed: 1 variant allele, 1 heterozygote.

NM_024408.4(NOTCH2):c.6685C>T (p.His2229Tyr)

Gene: NOTCH2 (notch receptor 2; minus strand). Cytogenetic location: 1p12.
Variant type: single nucleotide variant.
Coding change: c.6685C>T on transcript NM_024408.4 (MANE Select); coding-DNA position 6685, C replaced by T.
Protein change: p.His2229Tyr; replaces histidine 2229 with tyrosine.
Molecular consequence: missense variant.
Genome position (GRCh38, 1-based): chr1:119,916,037, G>A on the plus strand (C>T on the coding strand, the complement: NOTCH2 is on the minus strand). VCF-style: chr1-119916037-G-A. GRCh37 (hg19) VCF-style: chr1-120458660-G-A.
Other names: short protein forms H2229Y.
Identifiers: ClinVar variation 594642 (VCV000594642.6), dbSNP rs1557802029, ClinGen allele CA341876657.